The following is an entry in ClinVar:

NM_001127208.3(TET2):c.1373C>A (p.Pro458Gln)

Genes: TET2 (tet methylcytosine dioxygenase 2; plus strand), TET2-AS1 (TET2 antisense RNA 1; minus strand). Cytogenetic location: 4q24.
Variant type: single nucleotide variant.
Coding change: c.1373C>A on transcript NM_001127208.3 (MANE Select); coding-DNA position 1373, C replaced by A.
Protein change: p.Pro458Gln; replaces proline 458 with glutamine.
Molecular consequence: missense variant.
Genome position (GRCh38, 1-based): chr4:105,235,315, C>A. VCF-style: chr4-105235315-C-A. GRCh37 (hg19) VCF-style: chr4-106156472-C-A.
Other names: c.1373C>A, p.Pro458Gln (NM_017628.4); short protein forms P458Q.
Identifiers: ClinVar variation 3967512 (VCV003967512.1).

ClinVar aggregate classification (germline): Uncertain significance (1 of 4 stars; one submission).

Submission:

Ambry Genetics
Classification: Uncertain significance. Last evaluated: 2025-03-30. Review status: criteria provided, single submitter. Criteria: Ambry Variant Classification Scheme 2023. Collection method: clinical testing. Allele origin: germline.
Comment: The p.P458Q variant (also known as c.1373C>A), located in coding exon 1 of the TET2 gene, results from a C to A substitution at nucleotide position 1373. The proline at codon 458 is replaced by glutamine, an amino acid with similar properties. This amino acid position is conserved. In addition, this alteration is predicted to be tolerated by in silico analysis. Based on the available evidence, the clinical significance of this variant remains unclear.